The following is an entry in ClinVar:

NM_001098621.4(LYSET):c.263C>T (p.Thr88Ile)

Gene: LYSET (lysosomal enzyme trafficking factor; plus strand). Cytogenetic location: 14q32.12.
Variant type: single nucleotide variant.
Coding change: c.263C>T on transcript NM_001098621.4 (MANE Select); coding-DNA position 263, C replaced by T.
Protein change: p.Thr88Ile; replaces threonine 88 with isoleucine.
Molecular consequence: missense variant.
Genome position (GRCh38, 1-based): chr14:93,186,442, C>T. VCF-style: chr14-93186442-C-T. GRCh37 (hg19) VCF-style: chr14-93652787-C-T.
Other names: c.167C>T, p.Thr56Ile (NM_015676.3); short protein forms T56I, T88I.
Identifiers: ClinVar variation 3057084 (VCV003057084.2), dbSNP rs189524704, ClinGen allele CA7319543.

ClinVar aggregate classification (germline): Likely benign (0 of 4 stars; one submission).

Conditions:
LYSET-related disorder. Also called: LYSET-related condition.

Allele frequency attached by ClinVar (database versions not stated): 1000 Genomes Project 30x 0.00016; 1000 Genomes Project 0.00020; ExAC 0.00129; TOPMed 0.00131; gnomAD 0.00138; ESP Exome Variant Server 0.00166; gnomAD exomes 0.00193.
gnomAD v4.1: 2,985 of 1,614,218 alleles (0.18%); highest among the groups gnomAD compares: Non-Finnish European, 0.23%; 5 homozygotes.

Submission:

PreventionGenetics, part of Exact Sciences
Classification: Likely benign for LYSET-related condition. Last evaluated: 2022-09-30. Review status: no assertion criteria provided. Collection method: clinical testing. Allele origin: germline.
Comment: This variant is classified as likely benign based on ACMG/AMP sequence variant interpretation guidelines (Richards et al. 2015 PMID: 25741868, with internal and published modifications).